The following is an entry in ClinVar:

ClinVar aggregate classification (germline): Uncertain significance (1 of 4 stars; one submission).

Conditions:
Cardiovascular phenotype. Identifiers: MedGen CN230736.

Submission:

Ambry Genetics
Classification: Uncertain significance for Cardiovascular phenotype. Last evaluated: 2025-10-05. Review status: criteria provided, single submitter. Criteria: Ambry Variant Classification Scheme 2023. Collection method: clinical testing. Allele origin: germline.
Comment: The p.A1268S variant (also known as c.3802G>T), located in coding exon 25 of the MYH6 gene, results from a G to T substitution at nucleotide position 3802. The alanine at codon 1268 is replaced by serine, an amino acid with similar properties. This amino acid position is conserved. In addition, this alteration is predicted to be tolerated by in silico analysis. Based on the available evidence, the clinical significance of this variant remains unclear.

NM_002471.4(MYH6):c.3802G>T (p.Ala1268Ser)

Gene: MYH6 (myosin heavy chain 6; minus strand). Cytogenetic location: 14q11.2.
Variant type: single nucleotide variant.
Coding change: c.3802G>T on transcript NM_002471.4 (MANE Select); coding-DNA position 3802, G replaced by T.
Protein change: p.Ala1268Ser; replaces alanine 1268 with serine.
Molecular consequence: missense variant.
Genome position (GRCh38, 1-based): chr14:23,389,650, C>A on the plus strand (G>T on the coding strand, the complement: MYH6 is on the minus strand). VCF-style: chr14-23389650-C-A. GRCh37 (hg19) VCF-style: chr14-23858859-C-A.
Other names: short protein forms A1268S.
Identifiers: ClinVar variation 4614607 (VCV004614607.1).